The following is an entry in ClinVar:

NM_198060.4(NRAP):c.1742T>C (p.Ile581Thr)

Gene: NRAP (nebulin related anchoring protein; minus strand). Cytogenetic location: 10q25.3.
Variant type: single nucleotide variant.
Coding change: c.1742T>C on transcript NM_198060.4 (MANE Select); coding-DNA position 1742, T replaced by C.
Protein change: p.Ile581Thr; replaces isoleucine 581 with threonine.
Molecular consequence: missense variant.
Genome position (GRCh38, 1-based): chr10:113,631,609, A>G on the plus strand (T>C on the coding strand, the complement: NRAP is on the minus strand). VCF-style: chr10-113631609-A-G. GRCh37 (hg19) VCF-style: chr10-115391368-A-G.
Other names: c.1742T>C, p.Ile581Thr (NM_001261463.2, NM_001322945.2); c.1637T>C, p.Ile546Thr (NM_006175.5); short protein forms I546T, I581T.
Identifiers: ClinVar variation 3049536 (VCV003049536.3), dbSNP rs146212253, ClinGen allele CA5695415.

ClinVar aggregate classification (germline): Likely benign. Review status: criteria provided, single submitter (1 of 4 stars). 2 submissions from 2 submitters: Likely benign (1). 1 of the submissions does not count toward it. Last evaluated 2024-10-07.

Conditions:
NRAP-related disorder. Also called: NRAP-related condition.

Allele frequency attached by ClinVar (database versions not stated): gnomAD exomes 0.00034; TOPMed 0.00045; gnomAD 0.00046; ExAC 0.00060; ESP Exome Variant Server 0.00100.
gnomAD v4.1: 606 of 1,590,700 alleles (0.038%); highest among the groups gnomAD compares: Non-Finnish European, 0.0074%; 8 homozygotes.

Submissions (2):

Blueprint Genetics
Classification: Likely benign. Last evaluated: 2024-10-07. Review status: criteria provided, single submitter. Criteria: ACMG Guidelines, 2015. Collection method: clinical testing. Allele origin: germline.

PreventionGenetics, part of Exact Sciences
Classification: Benign for NRAP-related condition. Last evaluated: 2019-07-10. Review status: no assertion criteria provided. Collection method: clinical testing. Allele origin: germline. Not counted in ClinVar's aggregate classification.
Comment: This variant is classified as benign based on ACMG/AMP sequence variant interpretation guidelines (Richards et al. 2015 PMID: 25741868, with internal and published modifications).